The following is an entry in ClinVar:

ClinVar aggregate classification (germline): Benign. Review status: criteria provided, multiple submitters, no conflicts (2 of 4 stars). 2 submissions from 2 submitters: Benign (2). Last evaluated 2018-06-14.

Allele frequency attached by ClinVar (database versions not stated): TOPMed 0.10157; 1000 Genomes Project 0.10383; 1000 Genomes Project 30x 0.10790; gnomAD 0.11167 and 0.11211; gnomAD exomes 0.11624.
gnomAD v4.1: 165,031 of 1,427,566 alleles (12%); highest among the groups gnomAD compares: East Asian, 12%; 9,888 homozygotes.

Submissions (2):

GeneDx
Classification: Benign. Last evaluated: 2018-06-14. Review status: criteria provided, single submitter. Criteria: GeneDx Variant Classification (06012015). Collection method: clinical testing. Allele origin: germline. Affected: yes.
Comment: This variant is considered likely benign or benign based on one or more of the following criteria: it is a conservative change, it occurs at a poorly conserved position in the protein, it is predicted to be benign by multiple in silico algorithms, and/or has population frequency not consistent with disease.

Breakthrough Genomics
Classification: Benign. Review status: criteria provided, single submitter. Criteria: ACMG Guidelines, 2015. Collection method: not provided. Allele origin: germline. Inheritance: Autosomal recessive inheritance. Affected: yes.

NM_001377.3(DYNC2H1):c.10043-76A>G

Gene: DYNC2H1 (dynein cytoplasmic 2 heavy chain 1; plus strand). Cytogenetic location: 11q22.3.
Variant type: single nucleotide variant.
Coding change: c.10043-76A>G on transcript NM_001377.3 (MANE Select); 76 bases into the intron before coding-DNA position 10043, A replaced by G.
Molecular consequence: intron variant.
Genome position (GRCh38, 1-based): chr11:103,253,209, A>G. VCF-style: chr11-103253209-A-G. GRCh37 (hg19) VCF-style: chr11-103123938-A-G.
Other names: c.10064-76A>G (NM_001080463.2).
Identifiers: ClinVar variation 675079 (VCV000675079.2), dbSNP rs11820029, ClinGen allele CA13523538.